The following is an entry in ClinVar:

ClinVar aggregate classification (germline): Uncertain significance (1 of 4 stars; one submission).

Allele frequency attached by ClinVar (database versions not stated): TOPMed below 0.00001.
gnomAD v4.1: 1 of 1,606,914 alleles (0.000062%); highest among the groups gnomAD compares: Non-Finnish European, 0.000085%; no homozygotes.

Submission:

CeGaT Center for Human Genetics Tuebingen
Classification: Uncertain significance. Last evaluated: 2022-09-01. Review status: criteria provided, single submitter. Criteria: CeGaT Center For Human Genetics Tuebingen Variant Classification Criteria Version 2. Collection method: clinical testing. Allele origin: germline. Affected: yes. Observed: 1 variant allele.
Comment: AUTS2: PM2

NM_015570.4(AUTS2):c.1357C>A (p.His453Asn)

Gene: AUTS2 (activator of transcription and developmental regulator AUTS2; plus strand). Cytogenetic location: 7q11.22.
Variant type: single nucleotide variant.
Coding change: c.1357C>A on transcript NM_015570.4 (MANE Select); coding-DNA position 1357, C replaced by A.
Protein change: p.His453Asn; replaces histidine 453 with asparagine.
Molecular consequence: missense variant.
Genome position (GRCh38, 1-based): chr7:70,764,894, C>A. VCF-style: chr7-70764894-C-A. GRCh37 (hg19) VCF-style: chr7-70229880-C-A.
Other names: c.1357C>A, p.His453Asn (NM_001127231.3); short protein forms H453N.
Identifiers: ClinVar variation 2657529 (VCV002657529.24), dbSNP rs1336598533, ClinGen allele CA367668393.